The following is an entry in ClinVar:

ClinVar aggregate classification (germline): Uncertain significance (1 of 4 stars; one submission).

Conditions:
Autosomal dominant nocturnal frontal lobe epilepsy 5. Also called: KCNT1-Related Epilepsy; CILIARY DYSKINESIA, PRIMARY, 28, WITHOUT SITUS INVERSUS; CILIARY DYSKINESIA, PRIMARY, 28, WITH SITUS INVERSUS; Epilepsy, nocturnal frontal lobe, 5. Identifiers: Orphanet 98784, MedGen C3554306, MONDO:0014002, OMIM 615005.
Developmental and epileptic encephalopathy, 14 (DEE14). Also called: Early infantile epileptic encephalopathy 14. Identifiers: Orphanet 293181, MedGen C3554195, MONDO:0013989, OMIM 614959.

Submission:

Labcorp Genetics (formerly Invitae), Labcorp
Classification: Uncertain significance for Autosomal dominant nocturnal frontal lobe epilepsy 5; Developmental and epileptic encephalopathy, 14. Last evaluated: 2024-11-13. Review status: criteria provided, single submitter. Criteria: Invitae Variant Classification Sherloc (09022015). Collection method: clinical testing. Allele origin: germline.
Comment: This sequence change replaces isoleucine, which is neutral and non-polar, with methionine, which is neutral and non-polar, at codon 1012 of the KCNT1 protein (p.Ile1012Met). This variant is not present in population databases (gnomAD no frequency). This variant has not been reported in the literature in individuals affected with KCNT1-related conditions. Invitae Evidence Modeling of protein sequence and biophysical properties (such as structural, functional, and spatial information, amino acid conservation, physicochemical variation, residue mobility, and thermodynamic stability) indicates that this missense variant is not expected to disrupt KCNT1 protein function with a negative predictive value of 80%. In summary, the available evidence is currently insufficient to determine the role of this variant in disease. Therefore, it has been classified as a Variant of Uncertain Significance.

NM_020822.3(KCNT1):c.3036C>G (p.Ile1012Met)

Gene: KCNT1 (potassium sodium-activated channel subfamily T member 1; plus strand). Cytogenetic location: 9q34.3.
Variant type: single nucleotide variant.
Coding change: c.3036C>G on transcript NM_020822.3 (MANE Select); coding-DNA position 3036, C replaced by G.
Protein change: p.Ile1012Met; replaces isoleucine 1012 with methionine.
Molecular consequence: missense variant.
Genome position (GRCh38, 1-based): chr9:135,784,769, C>G. VCF-style: chr9-135784769-C-G. GRCh37 (hg19) VCF-style: chr9-138676615-C-G.
Other names: c.2901C>G, p.Ile967Met (NM_001272003.2); short protein forms I1012M, I967M.
Identifiers: ClinVar variation 3748777 (VCV003748777.2).